The following is an entry in ClinVar:

ClinVar aggregate classification (germline): Uncertain significance. Review status: criteria provided, multiple submitters, no conflicts (2 of 4 stars). 2 submissions from 2 submitters: Uncertain significance (2). Last evaluated 2026-05-12.

Conditions:
Dubin-Johnson syndrome (DJS). Also called: HYPERBILIRUBINEMIA, DUBIN-JOHNSON TYPE; Jaundice, Chronic Idiopathic; Hyperbilirubinemia type 2. Identifiers: Orphanet 234, MedGen C0022350, MONDO:0009380, OMIM 237500.
ABCC2-related disorder. Also called: ABCC2-related condition.

Allele frequency attached by ClinVar (database versions not stated): TOPMed 0.00003; gnomAD 0.00006; ESP Exome Variant Server 0.00008; gnomAD exomes 0.00008; ExAC 0.00014; 1000 Genomes Project 30x 0.00016; 1000 Genomes Project 0.00020.
gnomAD v4.1: 121 of 1,614,124 alleles (0.0075%); highest among the groups gnomAD compares: South Asian, 0.1%; 1 homozygote.

Submissions (2):

PreventionGenetics, part of Exact Sciences
Classification: Uncertain significance for ABCC2-related condition. Last evaluated: 2026-05-12. Review status: criteria provided, single submitter. Criteria: ACMG Guidelines, 2015. Collection method: clinical testing. Allele origin: germline.
Comment: The ABCC2 c.656G>A variant is predicted to result in the amino acid substitution p.Arg219His. To our knowledge, this variant has not been reported in the literature. This variant is reported in 0.091% of alleles in individuals of South Asian descent in gnomAD, which may be too frequent to be a primary cause of disease. Although we suspect that this variant may be benign, at this time, the clinical significance of this variant is uncertain due to the absence of conclusive functional and genetic evidence.

Revvity Omics, Revvity
Classification: Uncertain significance for Dubin-Johnson syndrome. Last evaluated: 2023-10-30. Review status: criteria provided, single submitter. Criteria: ACMG Guidelines, 2015. Collection method: clinical testing. Allele origin: germline.

NM_000392.5(ABCC2):c.656G>A (p.Arg219His)

Gene: ABCC2 (ATP binding cassette subfamily C member 2; plus strand). Cytogenetic location: 10q24.2.
Variant type: single nucleotide variant.
Coding change: c.656G>A on transcript NM_000392.5 (MANE Select); coding-DNA position 656, G replaced by A.
Protein change: p.Arg219His; replaces arginine 219 with histidine.
Molecular consequence: missense variant.
Genome position (GRCh38, 1-based): chr10:99,797,120, G>A. VCF-style: chr10-99797120-G-A. GRCh37 (hg19) VCF-style: chr10-101556877-G-A.
Other names: c.656G>A (NM_000392.4); short protein forms R219H.
Identifiers: ClinVar variation 2690804 (VCV002690804.3), dbSNP rs138121128, ClinGen allele CA5642970.